The following is an entry in ClinVar:

NM_000535.7(PMS2):c.637C>T (p.Pro213Ser)

Gene: PMS2 (PMS1 homolog 2, mismatch repair system component; minus strand). Cytogenetic location: 7p22.1.
Variant type: single nucleotide variant.
Coding change: c.637C>T on transcript NM_000535.7 (MANE Select); coding-DNA position 637, C replaced by T.
Protein change: p.Pro213Ser; replaces proline 213 with serine.
Molecular consequence: missense variant. On other transcripts: 5 prime UTR variant (2), non-coding transcript variant (1), intron variant (1).
Genome position (GRCh38, 1-based): chr7:5,999,176, G>A on the plus strand (C>T on the coding strand, the complement: PMS2 is on the minus strand). VCF-style: chr7-5999176-G-A. GRCh37 (hg19) VCF-style: chr7-6038807-G-A.
Other names: c.232C>T, p.Pro78Ser (NM_001018040.1, NM_001322003.2, NM_001322004.2 and 20 more transcripts); c.637C>T, p.Pro213Ser (NM_001322006.2, NM_001322014.2, NM_001406870.1 and 4 more transcripts); c.319C>T, p.Pro107Ser (NM_001322007.2, NM_001322008.2, NM_001406876.1 and 4 more transcripts); c.-297C>T (NM_001322011.2, NM_001322012.2); c.328C>T, p.Pro110Ser (NM_001322015.2, NM_001406875.1, NM_001406877.1 and 6 more transcripts); c.823C>T, p.Pro275Ser (NM_001406866.1); c.661C>T, p.Pro221Ser (NM_001406868.1); c.301C>T, p.Pro101Ser (NM_001406885.1); and 1 more; short protein forms P101S, P107S, P110S, P213S, P221S, P275S, P78S.
Identifiers: ClinVar variation 1718113 (VCV001718113.5), dbSNP rs2128800445, ClinGen allele CA366743937.

ClinVar aggregate classification (germline): Uncertain significance (1 of 4 stars; one submission).

Conditions:
Hereditary nonpolyposis colorectal neoplasms. Identifiers: MedGen C0009405, MeSH D003123.

Submission:

Labcorp Genetics (formerly Invitae), Labcorp
Classification: Uncertain significance for Hereditary nonpolyposis colorectal neoplasms. Last evaluated: 2024-10-03. Review status: criteria provided, single submitter. Criteria: Invitae Variant Classification Sherloc (09022015). Collection method: clinical testing. Allele origin: germline.
Comment: This sequence change replaces proline, which is neutral and non-polar, with serine, which is neutral and polar, at codon 213 of the PMS2 protein (p.Pro213Ser). This variant is not present in population databases (gnomAD no frequency). This variant has not been reported in the literature in individuals affected with PMS2-related conditions. ClinVar contains an entry for this variant (Variation ID: 1718113). Invitae Evidence Modeling incorporating data from in vitro experimental studies (internal data) indicates that this missense variant is not expected to disrupt PMS2 function with a negative predictive value of 95%. In summary, the available evidence is currently insufficient to determine the role of this variant in disease. Therefore, it has been classified as a Variant of Uncertain Significance.